The following is an entry in ClinVar:

NM_000414.4(HSD17B4):c.1019C>T (p.Thr340Met)

Gene: HSD17B4 (hydroxysteroid 17-beta dehydrogenase 4; plus strand). Cytogenetic location: 5q23.1.
Variant type: single nucleotide variant.
Coding change: c.1019C>T on transcript NM_000414.4 (MANE Select); coding-DNA position 1019, C replaced by T.
Protein change: p.Thr340Met; replaces threonine 340 with methionine.
Molecular consequence: missense variant. On other transcripts: non-coding transcript variant (2).
Genome position (GRCh38, 1-based): chr5:119,499,363, C>T. VCF-style: chr5-119499363-C-T. GRCh37 (hg19) VCF-style: chr5-118835058-C-T.
Other names: c.1094C>T, p.Thr365Met (NM_001199291.3); c.965C>T, p.Thr322Met (NM_001199292.2); c.947C>T, p.Thr316Met (NM_001292027.2); c.599C>T, p.Thr200Met (NM_001292028.2); c.1010C>T, p.Thr337Met (NM_001374497.1); c.1019C>T, p.Thr340Met (NM_001374498.1); c.692C>T, p.Thr231Met (NM_001374499.1); c.578C>T, p.Thr193Met (NM_001374500.1); and 1 more; short protein forms T193M, T316M, T340M, T203M, T322M, T337M, T200M, T231M.
Identifiers: ClinVar variation 1389163 (VCV001389163.5), dbSNP rs201568834, ClinGen allele CA3382076.

ClinVar aggregate classification (germline): Uncertain significance (1 of 4 stars; one submission).

Conditions:
Bifunctional peroxisomal enzyme deficiency (DBIF). Also called: DBP DEFICIENCY; D-bifunctional protein deficiency; PBFE DEFICIENCY. Identifiers: Orphanet 300, MedGen C0342870, MONDO:0009855, OMIM 261515. Disease mechanism: loss of function.
Perrault syndrome. Also called: Gonadal dysgenesis with auditory dysfunction, autosomal recessive inheritance. Identifiers: Orphanet 2855, MedGen C0685838, MONDO:0017312.

Allele frequency attached by ClinVar (database versions not stated): ExAC 0.00001; gnomAD 0.00001; TOPMed 0.00001; gnomAD exomes 0.00002; ESP Exome Variant Server 0.00015.

Submission:

Labcorp Genetics (formerly Invitae), Labcorp
Classification: Uncertain significance for Perrault syndrome; Bifunctional peroxisomal enzyme deficiency. Last evaluated: 2021-09-24. Review status: criteria provided, single submitter. Criteria: Invitae Variant Classification Sherloc (09022015). Collection method: clinical testing. Allele origin: germline.
Comment: This sequence change replaces threonine with methionine at codon 340 of the HSD17B4 protein (p.Thr340Met). The threonine residue is moderately conserved and there is a moderate physicochemical difference between threonine and methionine. This variant is present in population databases (rs201568834, ExAC 0.01%). This variant has not been reported in the literature in individuals with HSD17B4-related disease. Algorithms developed to predict the effect of missense changes on protein structure and function are either unavailable or do not agree on the potential impact of this missense change (SIFT: "Deleterious"; PolyPhen-2: "Benign"; Align-GVGD: "Class C0"). In summary, the available evidence is currently insufficient to determine the role of this variant in disease. Therefore, it has been classified as a Variant of Uncertain Significance.